The following is an entry in ClinVar:

GRCh38/hg38 19q13.42(chr19:54114345-54129468)x1

Genes: PRPF31 (pre-mRNA processing factor 31; plus strand), PRPF31-AS1 (PRPF31 antisense RNA 1; minus strand), TFPT (TCF3 fusion partner; minus strand). Cytogenetic location: 19q13.42.
Variant type: copy number loss.
Change: copy number 1 (one copy instead of two) of chr19:54,114,345-54,129,468 (15.1 kb, GRCh38 coordinates, 1-based), cytogenetic band 19q13.42.
Identifiers: ClinVar variation 2579240 (VCV002579240.1).

ClinVar aggregate classification (germline): Pathogenic (1 of 4 stars; one submission).

Conditions:
Retinitis pigmentosa 11 (RP11). Identifiers: Orphanet 791, MedGen C1838601, MONDO:0010828, OMIM 600138.

Submission:

Broad Center for Mendelian Genomics, Broad Institute of MIT and Harvard
Classification: Pathogenic for Retinitis pigmentosa 11. Last evaluated: 2023-08-24. Review status: criteria provided, single submitter. Criteria: ACMG/ClinGen CNV Guidelines, 2019. Collection method: research. Allele origin: unknown. Inheritance: Autosomal dominant inheritance. Affected: yes.
Comment: A heterozygous deletion of exons 1-13 in PRPF31 (NM_015629.4) was identified by exome sequencing in one individual with retinitis pigmentosa ([GRCh 38] chr19:54114345_54129468x1)(PMID: 34906470). The presence of this deletion was validated by ddPCR. These breakpoints have been estimated by exome sequencing only and therefore may not reflect the true breakpoint. Inheritance information is unavailable. The patient phenotypes are nonspecific, but are consistent with cases described in the literature and/or published databases with overlapping variants. There is partial overlap with the 5’ end of the PRPF31 gene including coding sequence (NMD is expected to occur). This alteration is then predicted to lead to a truncated or absent protein. Although the PRPF31 gene has not yet been evaluated by the ClinGen dosage sensitivity working group, the full gene deletion of PRPF31 has been curated as pathogenic by the Broad Institute Rare Disease Group (Broad Institute) due to a sufficient number LoF variants in this gene being identified individuals and/or families with retinitis pigmentosa (PMID: 29260190, 29957067, 22334370, 30543658), and therefore heterozygous loss of function of the PRPF31 gene is strongly associated to PRPF31-related retinopathy. In summary, this variant meets criteria to be classified as pathogenic for autosomal dominant retinitis pigmentosa. The ACMG/ClinGen evidence codes and points used in this curation are as follows: 1: 0 points, 2: 0.90 points, 3: 0 points, 4-5: 0.10 points; Total: 1.0 points; Riggs 2020 (PMID: 31690835).

Literature cited by the submitters: PubMed 34906470; PubMed 29260190; PubMed 29957067; PubMed 22334370; PubMed 30543658.